The following is an entry in ClinVar:

NM_022725.4(FANCF):c.489G>C (p.Met163Ile)

Gene: FANCF (FA complementation group F; minus strand). Cytogenetic location: 11p14.3.
Variant type: single nucleotide variant.
Coding change: c.489G>C on transcript NM_022725.4 (MANE Select); coding-DNA position 489, G replaced by C.
Protein change: p.Met163Ile; replaces methionine 163 with isoleucine.
Molecular consequence: missense variant.
Genome position (GRCh38, 1-based): chr11:22,625,322, C>G on the plus strand (G>C on the coding strand, the complement: FANCF is on the minus strand). VCF-style: chr11-22625322-C-G. GRCh37 (hg19) VCF-style: chr11-22646868-C-G.
Other names: short protein forms M163I.
Identifiers: ClinVar variation 662729 (VCV000662729.3), dbSNP rs1590541541, ClinGen allele CA380058941.
Genomic context (GRCh38, chr11:22,625,322, plus strand): 5'-CTCCGCTTCGGCCTTCCCCACCTCCTGCAGACGCTCCAGCAGCAGCTCCGCCTGGGTCTT[C>G]ATCAGAGAGTCCTCCTGGAGATTTGGGTTCTCTCTATAGCCATTGAAGCGCAGCATGTGC-3'
Protein context (NP_073562.1, residues 153-173): ENPNLQEDSL[Met163Ile]KTQAELLLER

ClinVar aggregate classification (germline): Uncertain significance. Review status: criteria provided, multiple submitters, no conflicts (2 of 4 stars). 3 submissions from 3 submitters: Uncertain significance (3). Last evaluated 2025-06-10.

Conditions:
Inborn genetic diseases. Identifiers: MedGen C0950123, MeSH D030342.
Fanconi anemia complementation group F. Also called: FANCF-Related Fanconi Anemia. Identifiers: Orphanet 84, MedGen C3469526, MONDO:0011325, OMIM 603467.
Fanconi anemia (FA). Also called: Fanconi's anemia. Identifiers: Orphanet 84, MedGen C0015625, MeSH D005199, MONDO:0019391.

Allele frequency attached by ClinVar (database versions not stated): TOPMed 0.00001.

Submissions (3):

Ambry Genetics
Classification: Uncertain significance for Inborn genetic diseases. Last evaluated: 2025-06-10. Review status: criteria provided, single submitter. Criteria: Ambry Variant Classification Scheme 2023. Collection method: clinical testing. Allele origin: germline.

Fulgent Genetics
Classification: Uncertain significance for Fanconi anemia complementation group F. Last evaluated: 2021-09-16. Review status: criteria provided, single submitter. Criteria: ACMG Guidelines, 2015. Collection method: clinical testing. Allele origin: unknown.

Labcorp Genetics (formerly Invitae), Labcorp
Classification: Uncertain significance for Fanconi anemia. Last evaluated: 2018-11-25. Review status: criteria provided, single submitter. Criteria: Invitae Variant Classification Sherloc (09022015). Collection method: clinical testing. Allele origin: germline.
Comment: This sequence change replaces methionine with isoleucine at codon 163 of the FANCF protein (p.Met163Ile). The methionine residue is weakly conserved and there is a small physicochemical difference between methionine and isoleucine. This variant is not present in population databases (ExAC no frequency). This variant has not been reported in the literature in individuals with FANCF-related disease. Algorithms developed to predict the effect of missense changes on protein structure and function output the following: SIFT: "Tolerated"; PolyPhen-2: "Benign"; Align-GVGD: "Class C0". The isoleucine amino acid residue is found in multiple mammalian species, suggesting that this missense change does not adversely affect protein function. These predictions have not been confirmed by published functional studies and their clinical significance is uncertain. In summary, the available evidence is currently insufficient to determine the role of this variant in disease. Therefore, it has been classified as a Variant of Uncertain Significance.